The following is an entry in ClinVar:

NM_175914.5(HNF4A):c.240C>G (p.Cys80Trp)

Gene: HNF4A (hepatocyte nuclear factor 4 alpha; plus strand). Cytogenetic location: 20q13.12.
Variant type: single nucleotide variant.
Coding change: c.240C>G on transcript NM_175914.5 (MANE Select); coding-DNA position 240, C replaced by G.
Protein change: p.Cys80Trp; replaces cysteine 80 with tryptophan.
Molecular consequence: missense variant.
Genome position (GRCh38, 1-based): chr20:44,407,396, C>G. VCF-style: chr20-44407396-C-G. GRCh37 (hg19) VCF-style: chr20-43036036-C-G.
Other names: NM_175914.5:c.240C>G; c.306C>G, p.Cys102Trp (NM_000457.6, NM_178849.3, NM_178850.3); c.240C>G, p.Cys80Trp (NM_001030003.3, NM_001030004.3); c.285C>G, p.Cys95Trp (NM_001258355.2); c.231C>G, p.Cys77Trp (NM_001287182.2, NM_001287183.2, NM_001287184.2); short protein forms C102W, C77W, C80W, C95W.
Identifiers: ClinVar variation 3358877 (VCV003358877.1).

ClinVar aggregate classification (germline): Uncertain significance (3 of 4 stars; one submission).

Conditions:
Monogenic diabetes. Identifiers: Orphanet 183625, MedGen C3888631, MONDO:0015967.

Submission:

ClinGen Monogenic Diabetes Variant Curation Expert Panel
Classification: Uncertain significance for Monogenic diabetes. Last evaluated: 2024-09-18. Review status: reviewed by expert panel. Criteria: ClinGen Diabetes ACMG Specifications HNF4A V2.0.0. Collection method: curation. Allele origin: germline. Inheritance: Autosomal dominant inheritance.
Comment: The c.240C>G variant in the hepatocyte nuclear factor 4 alpha gene, HNF4A, causes an amino acid change of cysteine to tryptophan at codon 80 (p.(Cys80Trp)) of NM_175914.5. This variant is absent from gnomAD v2.1.1 (PM2_Supporting). This variant is predicted to be deleterious by computational evidence, with a REVEL score of 0.882, which is greater than the MDEP VCEP threshold of 0.70 (PP3). This variant is in one of the amino acids that directly binds DNA and is necessary for Zinc-finger formation, which is defined as critical for the protein’s function by the ClinGen MDEP (PM1). This variant was identified in an individual with a clinical history highly specific for HNF4A-monogenic diabetes (MODY probability calculator result >50% and negative genetic testing for HNF1A) (PP4; PMID: 16917892). In summary, c.240C>G meets the criteria to be classified as a VUS for monogenic diabetes. ACMG/AMP criteria applied, as specified by the ClinGen MDEP VCEP (specification version 2.0.0, approved 10/11/2023): PM2_Supporting, PP3, PM1, PP4.